The following is an entry in ClinVar:

ClinVar aggregate classification (germline): Uncertain significance. Review status: criteria provided, multiple submitters, no conflicts (2 of 4 stars). 2 submissions from 2 submitters: Uncertain significance (2). Last evaluated 2026-07-28.

Conditions:
Inborn genetic diseases. Identifiers: MedGen C0950123, MeSH D030342.
Progressive microcephaly-seizures-cortical blindness-developmental delay syndrome. Also called: Seizures, cortical blindness, and microcephaly syndrome. Identifiers: Orphanet 477814, MedGen C5567650, MONDO:0014714, OMIM 616632.
Autosomal dominant nonsyndromic hearing loss 1. Also called: DEAFNESS, AUTOSOMAL DOMINANT 1, WITH OR WITHOUT THROMBOCYTOPENIA; KONIGSMARK SYNDROME. Identifiers: Orphanet 90635, MedGen C1852282, MONDO:0007424, OMIM 124900.

Submissions (2):

Ambry Genetics
Classification: Uncertain significance for Inborn genetic diseases. Last evaluated: 2026-07-28. Review status: criteria provided, single submitter. Criteria: Ambry Variant Classification Scheme 2023. Collection method: clinical testing. Allele origin: germline.

Labcorp Genetics (formerly Invitae), Labcorp
Classification: Uncertain significance for Progressive microcephaly-seizures-cortical blindness-developmental delay syndrome; Autosomal dominant nonsyndromic hearing loss 1. Last evaluated: 2023-11-06. Review status: criteria provided, single submitter. Criteria: Invitae Variant Classification Sherloc (09022015). Collection method: clinical testing. Allele origin: germline.
Comment: This sequence change replaces aspartic acid, which is acidic and polar, with alanine, which is neutral and non-polar, at codon 117 of the DIAPH1 protein (p.Asp117Ala). This variant is not present in population databases (gnomAD no frequency). This variant has not been reported in the literature in individuals affected with DIAPH1-related conditions. Experimental studies and prediction algorithms are not available or were not evaluated, and the functional significance of this variant is currently unknown. In summary, the available evidence is currently insufficient to determine the role of this variant in disease. Therefore, it has been classified as a Variant of Uncertain Significance.

NM_005219.5(DIAPH1):c.350A>C (p.Asp117Ala)

Gene: DIAPH1 (diaphanous related formin 1; minus strand). Cytogenetic location: 5q31.3.
Variant type: single nucleotide variant.
Coding change: c.350A>C on transcript NM_005219.5 (MANE Select); coding-DNA position 350, A replaced by C.
Protein change: p.Asp117Ala; replaces aspartic acid 117 with alanine.
Molecular consequence: missense variant.
Genome position (GRCh38, 1-based): chr5:141,584,176, T>G on the plus strand (A>C on the coding strand, the complement: DIAPH1 is on the minus strand). VCF-style: chr5-141584176-T-G. GRCh37 (hg19) VCF-style: chr5-140963743-T-G.
Other names: c.350A>C (NM_005219.4); c.323A>C, p.Asp108Ala (NM_001079812.3); c.350A>C, p.Asp117Ala (NM_001314007.2); short protein forms D117A, D108A.
Identifiers: ClinVar variation 2935556 (VCV002935556.4), dbSNP rs2513774020, ClinGen allele CA361543808.